The following is an entry in ClinVar:

NM_001134407.3(GRIN2A):c.3286A>G (p.Lys1096Glu)

Gene: GRIN2A (glutamate ionotropic receptor NMDA type subunit 2A; minus strand). Cytogenetic location: 16p13.2.
Variant type: single nucleotide variant.
Coding change: c.3286A>G on transcript NM_001134407.3 (MANE Select); coding-DNA position 3286, A replaced by G.
Protein change: p.Lys1096Glu; replaces lysine 1096 with glutamic acid.
Molecular consequence: missense variant.
Genome position (GRCh38, 1-based): chr16:9,764,258, T>C on the plus strand (A>G on the coding strand, the complement: GRIN2A is on the minus strand). VCF-style: chr16-9764258-T-C. GRCh37 (hg19) VCF-style: chr16-9858115-T-C.
Other names: c.3286A>G, p.Lys1096Glu (NM_000833.5, NM_001134408.2); short protein forms K1096E.
Identifiers: ClinVar variation 3340797 (VCV003340797.2).

ClinVar aggregate classification (germline): Uncertain significance. Review status: criteria provided, multiple submitters, no conflicts (2 of 4 stars). 2 submissions from 2 submitters: Uncertain significance (2). Last evaluated 2023-11-17.

gnomAD v4.1: 4 of 1,613,876 alleles (0.00025%); highest among the groups gnomAD compares: Non-Finnish European, 0.00025%; no homozygotes.

Submissions (2):

GeneDx
Classification: Uncertain significance. Last evaluated: 2023-11-17. Review status: criteria provided, single submitter. Criteria: GeneDx Variant Classification Process June 2021. Collection method: clinical testing. Allele origin: germline. Affected: yes.
Comment: Not observed in large population cohorts (gnomAD); In silico analysis supports that this missense variant does not alter protein structure/function; Has not been previously published as pathogenic or benign to our knowledge

Blueprint Genetics
Classification: Uncertain significance. Last evaluated: 2019-08-27. Review status: criteria provided, single submitter. Criteria: ACMG Guidelines, 2015. Collection method: clinical testing. Allele origin: germline.